The following is an entry in ClinVar:

ClinVar aggregate classification (germline): Pathogenic. Review status: criteria provided, multiple submitters, no conflicts (2 of 4 stars). 2 submissions from 2 submitters: Pathogenic (2). Last evaluated 2022-08-11.

Conditions:
Duchenne muscular dystrophy (DMD). Also called: Duchenne Muscular Dystrophy (DMD); MUSCULAR DYSTROPHY, PSEUDOHYPERTROPHIC PROGRESSIVE, DUCHENNE TYPE. Identifiers: Orphanet 98896, MedGen C0013264, MONDO:0010679, OMIM 310200.

Submissions (2):

Labcorp Genetics (formerly Invitae), Labcorp
Classification: Pathogenic for Duchenne muscular dystrophy. Last evaluated: 2022-08-11. Review status: criteria provided, single submitter. Criteria: Invitae Variant Classification Sherloc (09022015). Collection method: clinical testing. Allele origin: germline.
Comment: Algorithms developed to predict the effect of sequence changes on RNA splicing suggest that this variant may disrupt the consensus splice site. ClinVar contains an entry for this variant (Variation ID: 290909). Disruption of this splice site has been observed in individuals with Duchenne muscular dystrophy (PMID: 15351422, 19937601, 23536893). This variant is not present in population databases (gnomAD no frequency). This sequence change affects an acceptor splice site in intron 5 of the DMD gene. It is expected to disrupt RNA splicing. Variants that disrupt the donor or acceptor splice site typically lead to a loss of protein function (PMID: 16199547), and loss-of-function variants in DMD are known to be pathogenic (PMID: 16770791, 25007885). For these reasons, this variant has been classified as Pathogenic.

Eurofins Ntd Llc (ga)
Classification: Pathogenic. Last evaluated: 2016-09-19. Review status: criteria provided, single submitter. Criteria: EGL Classification Definitions 2015. Collection method: clinical testing. Allele origin: germline. Observed: 1 variant allele, 1 hemizygote.

Literature cited by the submitters: PubMed 15351422 (cited by Labcorp Genetics (formerly Invitae), Labcorp); PubMed 19937601 (cited by Labcorp Genetics (formerly Invitae), Labcorp); PubMed 23536893 (cited by Labcorp Genetics (formerly Invitae), Labcorp); PubMed 16199547 (cited by Labcorp Genetics (formerly Invitae), Labcorp); PubMed 16770791 (cited by Labcorp Genetics (formerly Invitae), Labcorp); PubMed 25007885 (cited by Labcorp Genetics (formerly Invitae), Labcorp).

NM_004006.3(DMD):c.358-1G>A

Gene: DMD (dystrophin; minus strand). Cytogenetic location: Xp21.1.
Variant type: single nucleotide variant.
Coding change: c.358-1G>A on transcript NM_004006.3 (MANE Select); the canonical splice acceptor site of the intron before coding-DNA position 358, G replaced by A.
Molecular consequence: splice acceptor variant.
Genome position (GRCh38, 1-based): chrX:32,816,641, C>T on the plus strand (G>A on the coding strand, the complement: DMD is on the minus strand). VCF-style: chrX-32816641-C-T. GRCh37 (hg19) VCF-style: chrX-32834758-C-T.
Other names: c.334-1G>A (NM_000109.4); c.346-1G>A (NM_004009.3); c.-12-1G>A (NM_004010.3).
Identifiers: ClinVar variation 290909 (VCV000290909.15), dbSNP rs886044582, ClinGen allele CA10606939.